The following is an entry in ClinVar:

NM_002900.3(RBP3):c.1870G>A (p.Asp624Asn)

Gene: RBP3 (retinol binding protein 3; plus strand). Cytogenetic location: 10q11.22.
Variant type: single nucleotide variant.
Coding change: c.1870G>A on transcript NM_002900.3 (MANE Select); coding-DNA position 1870, G replaced by A.
Protein change: p.Asp624Asn; replaces aspartic acid 624 with asparagine.
Molecular consequence: missense variant.
Genome position (GRCh38, 1-based): chr10:47,350,354, G>A. VCF-style: chr10-47350354-G-A. GRCh37 (hg19) VCF-style: chr10-48389008-C-T.
Other names: short protein forms D624N.
Identifiers: ClinVar variation 971672 (VCV000971672.9), dbSNP rs1749340128, ClinGen allele CA376671638.

ClinVar aggregate classification (germline): Uncertain significance (1 of 4 stars; one submission).

gnomAD v4.1: 4 of 1,612,240 alleles (0.00025%); highest among the groups gnomAD compares: Non-Finnish European, 0.00034%; no homozygotes.

Submission:

Labcorp Genetics (formerly Invitae), Labcorp
Classification: Uncertain significance. Last evaluated: 2019-10-29. Review status: criteria provided, single submitter. Criteria: Invitae Variant Classification Sherloc (09022015). Collection method: clinical testing. Allele origin: germline.
Comment: This sequence change replaces aspartic acid with asparagine at codon 624 of the RBP3 protein (p.Asp624Asn). The aspartic acid residue is moderately conserved and there is a small physicochemical difference between aspartic acid and asparagine. This variant is not present in population databases (ExAC no frequency). This variant has not been reported in the literature in individuals with RBP3-related conditions. Algorithms developed to predict the effect of missense changes on protein structure and function are either unavailable or do not agree on the potential impact of this missense change (SIFT: "Deleterious"; PolyPhen-2: "Benign"; Align-GVGD: "Class C0"). In summary, the available evidence is currently insufficient to determine the role of this variant in disease. Therefore, it has been classified as a Variant of Uncertain Significance.